The following is an entry in ClinVar:

ClinVar aggregate classification (germline): Uncertain significance (1 of 4 stars; one submission).

Conditions:
Familial hemophagocytic lymphohistiocytosis 3 (FHL3). Also called: UNC13D-Related Familial Hemophagocytic Lymphohistiocytosis (UNC13D-fHLH). Identifiers: Orphanet 540, MedGen C1837174, MONDO:0012146, OMIM 608898.

gnomAD v4.1: 8 of 1,610,358 alleles (0.0005%); highest among the groups gnomAD compares: Non-Finnish European, 0.00068%; no homozygotes.

Submission:

Labcorp Genetics (formerly Invitae), Labcorp
Classification: Uncertain significance for Familial hemophagocytic lymphohistiocytosis 3. Last evaluated: 2025-01-30. Review status: criteria provided, single submitter. Criteria: Invitae Variant Classification Sherloc (09022015). Collection method: clinical testing. Allele origin: germline.
Comment: This sequence change replaces glutamic acid, which is acidic and polar, with lysine, which is basic and polar, at codon 50 of the UNC13D protein (p.Glu50Lys). The frequency data for this variant in the population databases is considered unreliable, as metrics indicate poor data quality at this position in the gnomAD database. This variant has not been reported in the literature in individuals affected with UNC13D-related conditions. Invitae Evidence Modeling of protein sequence and biophysical properties (such as structural, functional, and spatial information, amino acid conservation, physicochemical variation, residue mobility, and thermodynamic stability) indicates that this missense variant is not expected to disrupt UNC13D protein function with a negative predictive value of 80%. In summary, the available evidence is currently insufficient to determine the role of this variant in disease. Therefore, it has been classified as a Variant of Uncertain Significance.

NM_199242.3(UNC13D):c.148G>A (p.Glu50Lys)

Gene: UNC13D (unc-13 homolog D; minus strand). Cytogenetic location: 17q25.1.
Variant type: single nucleotide variant.
Coding change: c.148G>A on transcript NM_199242.3 (MANE Select); coding-DNA position 148, G replaced by A.
Protein change: p.Glu50Lys; replaces glutamic acid 50 with lysine.
Molecular consequence: missense variant.
Genome position (GRCh38, 1-based): chr17:75,843,489, C>T on the plus strand (G>A on the coding strand, the complement: UNC13D is on the minus strand). VCF-style: chr17-75843489-C-T. GRCh37 (hg19) VCF-style: chr17-73839570-C-T.
Other names: short protein forms E50K.
Identifiers: ClinVar variation 3705231 (VCV003705231.1).